The following is an entry in ClinVar:

NM_001001344.3(ATP2B3):c.646A>G (p.Ile216Val)

Gene: ATP2B3 (ATPase plasma membrane Ca2+ transporting 3; plus strand). Cytogenetic location: Xq28.
Variant type: single nucleotide variant.
Coding change: c.646A>G on transcript NM_001001344.3 (MANE Select); coding-DNA position 646, A replaced by G.
Protein change: p.Ile216Val; replaces isoleucine 216 with valine.
Molecular consequence: missense variant.
Genome position (GRCh38, 1-based): chrX:153,541,908, A>G. VCF-style: chrX-153541908-A-G. GRCh37 (hg19) VCF-style: chrX-152807366-A-G.
Other names: c.646A>G, p.Ile216Val (NM_001388360.1, NM_001388361.1, NM_001388362.1 and 2 more transcripts); short protein forms I216V.
Identifiers: ClinVar variation 4882266 (VCV004882266.2).
Genomic context (GRCh38, chrX:153,541,908, plus strand): 5'-ACGGTCATCCGGAACGGGCAGCTCCTCCAGGTCCCCGTGGCTGCGCTGGTGGTGGGGGAC[A>G]TTGCCCAGGTCAAGTACGGTGAGTGCCCTGGTCTTCACCCACCCTGTCAAGGAAGCTCGG-3'
Protein context (NP_001001344.1, residues 206-226): VPVAALVVGD[Ile216Val]AQVKYGDLLP

ClinVar aggregate classification (germline): Uncertain significance (1 of 4 stars; one submission).

gnomAD v4.1: 9 of 1,211,105 alleles (0.00074%); highest among the groups gnomAD compares: East Asian, 0.003%; no homozygotes.

Submission:

Dasa
Classification: Uncertain significance. Last evaluated: 2026-01-08. Review status: criteria provided, single submitter. Criteria: DASA Assertion Criteria. Collection method: clinical testing. Allele origin: germline.
Comment: NM_001001344.3(ATP2B3):c.646A>G (p.Ile216Val) is a missense variant that results in the substitution of isoleucine with valine. This variant is rare in population databases. The currently available literature and clinical evidence are not sufficient to establish a definitive association between this variant and the reported condition. Therefore, this variant is classified as a variant of uncertain significance.